The following is an entry in ClinVar:

NM_001972.4(ELANE):c.605C>T (p.Ser202Phe)

Gene: ELANE (elastase, neutrophil expressed; plus strand). Cytogenetic location: 19p13.3.
Variant type: single nucleotide variant.
Coding change: c.605C>T on transcript NM_001972.4 (MANE Select); coding-DNA position 605, C replaced by T.
Protein change: p.Ser202Phe; replaces serine 202 with phenylalanine.
Molecular consequence: missense variant.
Genome position (GRCh38, 1-based): chr19:855,965, C>T. VCF-style: chr19-855965-C-T. GRCh37 (hg19) VCF-style: chr19-855965-C-T.
Other names: c.605C>T (LRG_57t1); short protein forms S202F.
Identifiers: ClinVar variation 242298 (VCV000242298.2), dbSNP rs878855321, ClinGen allele CA10583965.

ClinVar aggregate classification (germline): Likely pathogenic (1 of 4 stars; one submission).

Allele frequency attached by ClinVar (database versions not stated): gnomAD exomes below 0.00001.
gnomAD v4.1: 1 of 1,613,234 alleles (0.000062%); highest among the groups gnomAD compares: Non-Finnish European, 0.000085%; no homozygotes.

Submission:

GeneDx
Classification: Likely pathogenic. Last evaluated: 2017-01-25. Review status: criteria provided, single submitter. Criteria: GeneDx Variant Classification (06012015). Collection method: clinical testing. Allele origin: germline. Affected: yes.
Comment: The S202F variant in the ELANE gene has not been published as a mutation, nor has it been reported as a benign polymorphism to our knowledge. The S202F variant was not observed in approximately 6500 individuals of European and African American ancestry in the NHLBI Exome Sequencing Project, indicating it is not a common benign variant in these populations. The S202F variant is a non-conservative amino acid substitution, which is likely to impact secondary protein structure as these residues differ in polarity, charge, size and/or other properties. This substitution occurs at a position that is conserved across species and in silico analysis predicts this variant is probably damaging to the protein structure/function. Missense mutations in nearby residues (G203R, G203C, G203D, P205R and others) have been reported in the Human Gene Mutation Database in association with ELANE-related neutropenia, supporting the functional importance of this region of the protein (Stenson et al., 2014). We interpret S202F as a variant that is a strong candidate for a disease-causing mutation which may be related to the reported features in this individual; however the possibility it may be a rare benign variant cannot be excluded.